The following is an entry in ClinVar:

NM_000138.5(FBN1):c.2893G>C (p.Glu965Gln)

Gene: FBN1 (fibrillin 1; minus strand). Cytogenetic location: 15q21.1.
Variant type: single nucleotide variant.
Coding change: c.2893G>C on transcript NM_000138.5 (MANE Select); coding-DNA position 2893, G replaced by C.
Protein change: p.Glu965Gln; replaces glutamic acid 965 with glutamine.
Molecular consequence: missense variant.
Genome position (GRCh38, 1-based): chr15:48,490,040, C>G on the plus strand (G>C on the coding strand, the complement: FBN1 is on the minus strand). VCF-style: chr15-48490040-C-G. GRCh37 (hg19) VCF-style: chr15-48782237-C-G.
Other names: short protein forms E965Q.
Identifiers: ClinVar variation 520495 (VCV000520495.25), dbSNP rs748905831, ClinGen allele CA049220.

ClinVar aggregate classification (germline): Uncertain significance. Review status: criteria provided, multiple submitters, no conflicts (2 of 4 stars). 7 submissions from 7 submitters: Uncertain significance (7). Last evaluated 2025-07-21.

Conditions:
Familial thoracic aortic aneurysm and aortic dissection (TAAD). Also called: Thoracic aortic aneurysms and dissections. Identifiers: Orphanet 91387, MedGen C4707243, MONDO:0019625.
Marfan syndrome (MFS). Also called: Marfan syndrome type 1; Marfan syndrome, classic; Marfan's syndrome; FBN1-Related Marfan Syndrome; MARFAN SYNDROME, TYPE I. Identifiers: Orphanet 284963, Orphanet 558, MedGen C0024796, MONDO:0007947, OMIM 154700.

Allele frequency attached by ClinVar (database versions not stated): TOPMed 0.00001; gnomAD 0.00002; ExAC 0.00001.
gnomAD v4.1: 56 of 1,614,002 alleles (0.0035%); highest among the groups gnomAD compares: Non-Finnish European, 0.0046%; no homozygotes.

Submissions (7):

Women's Health and Genetics/Laboratory Corporation of America, LabCorp
Classification: Uncertain significance. Last evaluated: 2025-07-21. Review status: criteria provided, single submitter. Criteria: LabCorp Variant Classification Summary - May 2015. Collection method: clinical testing. Allele origin: germline.
Comment: Variant summary: FBN1 c.2893G>C (p.Glu965Gln) results in a conservative amino acid change in the encoded protein sequence. Algorithms developed to predict the effect of missense changes on protein structure and function are either unavailable or do not agree on the potential impact of this missense change. The variant allele was found at a frequency of 1.6e-05 in 251442 control chromosomes. The available data on variant occurrences in the general population are insufficient to allow any conclusion about variant significance. To our knowledge, no occurrence of c.2893G>C in individuals affected with Aortopathy and no experimental evidence demonstrating its impact on protein function have been reported. ClinVar contains an entry for this variant (Variation ID: 520495). Based on the evidence outlined above, the variant was classified as uncertain significance.

GeneDx
Classification: Uncertain significance. Last evaluated: 2024-09-25. Review status: criteria provided, single submitter. Criteria: GeneDx Variant Classification Process June 2021. Collection method: clinical testing. Allele origin: germline. Affected: yes.
Comment: In silico analysis indicates that this missense variant does not alter protein structure/function; Does not affect a cysteine or calcium-binding residue within an EGF-like domain or a TGF-binding protein domain of the FBN1 gene; cysteine substitutions in the EGF-like domains represent the majority of pathogenic missense changes associated with FBN1-related disorders (PMID: 12938084); Has not been previously published as pathogenic or benign to our knowledge; This variant is associated with the following publications: (PMID: 12938084)

Labcorp Genetics (formerly Invitae), Labcorp
Classification: Uncertain significance for Marfan syndrome; Familial thoracic aortic aneurysm and aortic dissection. Last evaluated: 2024-05-26. Review status: criteria provided, single submitter. Criteria: Invitae Variant Classification Sherloc (09022015). Collection method: clinical testing. Allele origin: germline.
Comment: This sequence change replaces glutamic acid, which is acidic and polar, with glutamine, which is neutral and polar, at codon 965 of the FBN1 protein (p.Glu965Gln). This variant is present in population databases (rs748905831, gnomAD 0.005%). This variant has not been reported in the literature in individuals affected with FBN1-related conditions. ClinVar contains an entry for this variant (Variation ID: 520495). Advanced modeling of protein sequence and biophysical properties (such as structural, functional, and spatial information, amino acid conservation, physicochemical variation, residue mobility, and thermodynamic stability) performed at Invitae indicates that this missense variant is expected to disrupt FBN1 protein function with a positive predictive value of 95%. In summary, the available evidence is currently insufficient to determine the role of this variant in disease. Therefore, it has been classified as a Variant of Uncertain Significance.

All of Us Research Program, National Institutes of Health
Classification: Uncertain significance for Marfan syndrome. Last evaluated: 2024-05-17. Review status: criteria provided, single submitter. Criteria: ACMG Guidelines, 2015. Collection method: clinical testing. Allele origin: germline. Inheritance: Autosomal dominant inheritance. Observed: 7 variant alleles, 7 heterozygotes.
Comment: This missense variant replaces glutamic acid with glutamine at codon 965 of the FBN1 protein. Computational prediction is inconclusive regarding the impact of this variant on protein structure and function (internally defined REVEL score threshold 0.5 < inconclusive < 0.7, PMID: 27666373). To our knowledge, functional studies have not been reported for this variant. This variant has not been reported in individuals affected with cardiovascular disorders in the literature. This variant has been identified in 6/282814 chromosomes in the general population by the Genome Aggregation Database (gnomAD). The available evidence is insufficient to determine the role of this variant in disease conclusively. Therefore, this variant is classified as a Variant of Uncertain Significance.

This study involves interpretation of variants in research participants for the purpose of population health screening. Participant phenotype was not available at the time of variant classification. Additional details can be found in publication PMID: 35346344, PMCID: PMC8962531

Color Diagnostics, LLC DBA Color Health
Classification: Uncertain significance for Familial thoracic aortic aneurysm and aortic dissection. Last evaluated: 2023-10-19. Review status: criteria provided, single submitter. Criteria: ACMG Guidelines, 2015. Collection method: clinical testing. Allele origin: germline.
Comment: This missense variant replaces glutamic acid with glutamine at codon 965 of the FBN1 protein. Computational prediction is inconclusive regarding the impact of this variant on protein structure and function (internally defined REVEL score threshold 0.5 < inconclusive < 0.7, PMID: 27666373). To our knowledge, functional studies have not been reported for this variant. This variant has not been reported in individuals affected with FBN1-related disorders in the literature. This variant has been identified in 6/282814 chromosomes in the general population by the Genome Aggregation Database (gnomAD). The available evidence is insufficient to determine the role of this variant in disease conclusively. Therefore, this variant is classified as a Variant of Uncertain Significance.

Victorian Clinical Genetics Services, Murdoch Childrens Research Institute
Classification: Uncertain significance for Marfan syndrome. Last evaluated: 2022-09-02. Review status: criteria provided, single submitter. Criteria: ACMG Guidelines, 2015. Collection method: clinical testing. Allele origin: germline. Inheritance: Autosomal dominant inheritance. Affected: yes.
Comment: Based on the classification scheme VCGS_Germline_v1.3.4, this variant is classified as VUS-3B. Following criteria are met: 0103 - Dominant negative and loss of function are known mechanisms of disease in this gene and are associated with FBN1-related disease. Variants predicted to result in nonsense mediated decay cause loss of function effects, and are more commonly associated with severe Marfan syndrome (MIM#154700). Missense variants with both dominant negative and loss of function effects on protein function are associated with Marfan syndrome and ectopia lentis (MIM#129600) (OMIM, PMID: 29357934). The exact genotype-phenotype correlation for this gene is still unclear, and is compounded by variable expressivity (PMID: 20301510). (I) 0107 - This gene is predominantly associated with autosomal dominant disease; autosomal recessive forms of Marfan syndrome have been reported infrequently (PMID: 27274304; 31950671). (I) 0115 - Variants in this gene are known to have variable expressivity. The genotype-phenotype correlations for this gene are unclear, with single variants reported in patients with a range of phenotypes (PMID: 20301510, OMIM). (I) 0200 - Variant is predicted to result in a missense amino acid change from glutamic acid to glutamine. (I) 0251 - This variant is heterozygous. (I) 0302 - Variant is present in gnomAD <0.001 for a dominant condition (v2 & v3: 7 heterozygotes, 0 homozygotes). (SP) 0309 - Two alternative amino acid changes at the same position have been observed in gnomAD (v2: each with 1 heterozygote and 0 homozygotes). (I) 0502 - Missense variant with conflicting in silico predictions and uninformative conservation. (I) 0600 - Variant is located in the annotated TB domain (DECIPHER). (I) 0708 - Another missense variant comparable to the one identified in this case has conflicting previous evidence for pathogenicity. p.(Glu965Lys) has been reported as likely pathogenic and a VUS (ClinVar). (I) 0809 - Previous evidence of pathogenicity for this variant is inconclusive. It has been reported as a VUS by multiple clinical testing laboratories (ClinVar). (I) 0905 - No published segregation evidence has been identified for this variant. (I) 1007 - No published functional evidence has been identified for this variant. (I) 1101 - Very strong and specific phenotype match for this individual. (SP) 1208 - Inheritance information for this variant is not currently available in this individual. (I) Legend: (SP) - Supporting pathogenic, (I) - Information, (SB) - Supporting benign

Molecular Diagnostic Laboratory for Inherited Cardiovascular Disease, Montreal Heart Institute
Classification: Uncertain significance for Marfan syndrome. Last evaluated: 2016-07-21. Review status: criteria provided, single submitter. Criteria: ACMG Guidelines, 2015. Collection method: clinical testing. Allele origin: germline. Affected: yes.

Literature cited by the submitters: PubMed 20301510 (cited by Victorian Clinical Genetics Services, Murdoch Childrens Research Institute); PubMed 27274304 (cited by Victorian Clinical Genetics Services, Murdoch Childrens Research Institute); PubMed 29357934 (cited by Victorian Clinical Genetics Services, Murdoch Childrens Research Institute); PubMed 31950671 (cited by Victorian Clinical Genetics Services, Murdoch Childrens Research Institute).